The following is an entry in ClinVar:

ClinVar aggregate classification (germline): Uncertain significance. Review status: criteria provided, multiple submitters, no conflicts (2 of 4 stars). 4 submissions from 4 submitters: Uncertain significance (4). Last evaluated 2025-05-16.

Conditions:
Inborn genetic diseases. Identifiers: MedGen C0950123, MeSH D030342.
Hereditary spastic paraplegia 48. Also called: SPASTIC PARAPLEGIA 48, AUTOSOMAL RECESSIVE; Spastic paraplegia 48. Identifiers: Orphanet 306511, MedGen C3150901, MONDO:0013342, OMIM 613647.

Allele frequency attached by ClinVar (database versions not stated): TOPMed 0.00012; ESP Exome Variant Server 0.00016; 1000 Genomes Project 0.00020; 1000 Genomes Project 30x 0.00031; gnomAD 0.00006 and 0.00007; ExAC 0.00010; gnomAD exomes 0.00010.

Submissions (4):

Ambry Genetics
Classification: Uncertain significance for Inborn genetic diseases. Last evaluated: 2025-05-16. Review status: criteria provided, single submitter. Criteria: Ambry Variant Classification Scheme 2023. Collection method: clinical testing. Allele origin: germline.

Labcorp Genetics (formerly Invitae), Labcorp
Classification: Uncertain significance for Hereditary spastic paraplegia 48. Last evaluated: 2023-12-06. Review status: criteria provided, single submitter. Criteria: Invitae Variant Classification Sherloc (09022015). Collection method: clinical testing. Allele origin: germline.
Comment: This sequence change replaces glutamic acid, which is acidic and polar, with lysine, which is basic and polar, at codon 741 of the AP5Z1 protein (p.Glu741Lys). This variant is present in population databases (rs199745141, gnomAD 0.01%). This variant has not been reported in the literature in individuals affected with AP5Z1-related conditions. ClinVar contains an entry for this variant (Variation ID: 471497). Advanced modeling of protein sequence and biophysical properties (such as structural, functional, and spatial information, amino acid conservation, physicochemical variation, residue mobility, and thermodynamic stability) performed at Invitae indicates that this missense variant is not expected to disrupt AP5Z1 protein function with a negative predictive value of 80%. In summary, the available evidence is currently insufficient to determine the role of this variant in disease. Therefore, it has been classified as a Variant of Uncertain Significance.

Revvity Omics, Revvity
Classification: Uncertain significance for Hereditary spastic paraplegia 48. Last evaluated: 2023-09-25. Review status: criteria provided, single submitter. Criteria: ACMG Guidelines, 2015. Collection method: clinical testing. Allele origin: germline.

Athena Diagnostics
Classification: Uncertain significance. Last evaluated: 2019-06-03. Review status: criteria provided, single submitter. Criteria: Athena Diagnostics Criteria. Collection method: clinical testing. Allele origin: germline.

NM_014855.3(AP5Z1):c.2221G>A (p.Glu741Lys)

Gene: AP5Z1 (adaptor related protein complex 5 subunit zeta 1; plus strand). Cytogenetic location: 7p22.1.
Variant type: single nucleotide variant.
Coding change: c.2221G>A on transcript NM_014855.3 (MANE Select); coding-DNA position 2221, G replaced by A.
Protein change: p.Glu741Lys; replaces glutamic acid 741 with lysine.
Molecular consequence: missense variant. On other transcripts: non-coding transcript variant (1).
Genome position (GRCh38, 1-based): chr7:4,791,182, G>A. VCF-style: chr7-4791182-G-A. GRCh37 (hg19) VCF-style: chr7-4830813-G-A.
Other names: c.2221G>A, p.Glu741Lys (LRG_1247t1); c.1753G>A, p.Glu585Lys (NM_001364858.1); short protein forms E741K, E585K.
Identifiers: ClinVar variation 471497 (VCV000471497.14), dbSNP rs199745141, ClinGen allele CA4138385.